The following is an entry in ClinVar:

ClinVar aggregate classification (germline): Uncertain significance. Review status: criteria provided, multiple submitters, no conflicts (2 of 4 stars). 2 submissions from 2 submitters: Uncertain significance (2). Last evaluated 2026-09-12.

Conditions:
Cardiovascular phenotype. Identifiers: MedGen CN230736.

Allele frequency attached by ClinVar (database versions not stated): TOPMed below 0.00001; gnomAD exomes 0.00001.
gnomAD v4.1: 5 of 1,606,852 alleles (0.00031%); highest among the groups gnomAD compares: South Asian, 0.0045%; no homozygotes.

Submissions (2):

Ambry Genetics
Classification: Uncertain significance for Cardiovascular phenotype. Last evaluated: 2026-09-12. Review status: criteria provided, single submitter. Criteria: Ambry Variant Classification Scheme 2023. Collection method: clinical testing. Allele origin: germline.
Comment: The p.R138S variant (also known as c.412C>A), located in coding exon 2 of the JPH2 gene, results from a C to A substitution at nucleotide position 412. The arginine at codon 138 is replaced by serine, an amino acid with dissimilar properties. This amino acid position is conserved. In addition, the in silico prediction for this alteration is inconclusive. Based on the available evidence, the clinical significance of this variant remains unclear.

Blueprint Genetics
Classification: Uncertain significance. Last evaluated: 2018-08-24. Review status: criteria provided, single submitter. Criteria: ACMG Guidelines, 2015. Collection method: clinical testing. Allele origin: germline.

NM_020433.5(JPH2):c.412C>A (p.Arg138Ser)

Gene: JPH2 (junctophilin 2; minus strand). Cytogenetic location: 20q13.12.
Variant type: single nucleotide variant.
Coding change: c.412C>A on transcript NM_020433.5 (MANE Select); coding-DNA position 412, C replaced by A.
Protein change: p.Arg138Ser; replaces arginine 138 with serine.
Molecular consequence: missense variant.
Genome position (GRCh38, 1-based): chr20:44,160,375, G>T on the plus strand (C>A on the coding strand, the complement: JPH2 is on the minus strand). VCF-style: chr20-44160375-G-T. GRCh37 (hg19) VCF-style: chr20-42789015-G-T.
Other names: short protein forms R138S.
Identifiers: ClinVar variation 636764 (VCV000636764.3), dbSNP rs1312146372, ClinGen allele CA409094435.
Genomic context (GRCh38, chr20:44,160,375, plus strand): 5'-GCGAGCGCACCACCACGGCCATCCCGTAGGGCACGCTCTGGCGTACTCCGTAGCCATGGC[G>T]CATGCCGTTGGTGAACTGGCCTTGGTACGTCCCTGCGGGCGAGGAGAGGGCGCGTCAGTA-3'
Protein context (NP_065166.2, residues 128-148): TYQGQFTNGM[Arg138Ser]HGYGVRQSVP